The following is an entry in ClinVar:

ClinVar aggregate classification (germline): Uncertain significance (1 of 4 stars; one submission).

Conditions:
Hereditary cancer-predisposing syndrome. Also called: Hereditary Cancer Syndrome; Hereditary neoplastic syndrome; Neoplastic Syndromes, Hereditary; Tumor predisposition. Identifiers: Orphanet 140162, MedGen C0027672, MeSH D009386, MONDO:0015356.

Submission:

Ambry Genetics
Classification: Uncertain significance for Hereditary cancer-predisposing syndrome. Last evaluated: 2025-08-02. Review status: criteria provided, single submitter. Criteria: Ambry Variant Classification Scheme 2023. Collection method: clinical testing. Allele origin: germline.
Comment: The p.Q499E variant (also known as c.1495C>G), located in coding exon 10 of the BRIP1 gene, results from a C to G substitution at nucleotide position 1495. The glutamine at codon 499 is replaced by glutamic acid, an amino acid with highly similar properties. This amino acid position is conserved. In addition, this alteration is predicted to be tolerated by in silico analysis. Based on the available evidence, the clinical significance of this variant remains unclear.

NM_032043.3(BRIP1):c.1495C>G (p.Gln499Glu)

Gene: BRIP1 (BRCA1 interacting DNA helicase 1; minus strand). Cytogenetic location: 17q23.2.
Variant type: single nucleotide variant.
Coding change: c.1495C>G on transcript NM_032043.3 (MANE Select); coding-DNA position 1495, C replaced by G.
Protein change: p.Gln499Glu; replaces glutamine 499 with glutamic acid.
Molecular consequence: missense variant.
Genome position (GRCh38, 1-based): chr17:61,784,403, G>C on the plus strand (C>G on the coding strand, the complement: BRIP1 is on the minus strand). VCF-style: chr17-61784403-G-C. GRCh37 (hg19) VCF-style: chr17-59861764-G-C.
Other names: short protein forms Q499E.
Identifiers: ClinVar variation 4216269 (VCV004216269.1).
Genomic context (GRCh38, chr17:61,784,403, plus strand): 5'-TAACAGGTACTTCTCTTGCCTCCTCTTTACCATAAATTGGTGAGATTTTTTCCTCTTTTT[G>C]AAGAACAGCAGAAAAATGTCCCTATAAGAAATTACCATATTAAGTATAGAGGGGTTGGGA-3'
Protein context (NP_114432.2, residues 489-509): ILQGHFSAVL[Gln499Glu]KEEKISPIYG